The following is an entry in ClinVar:

ClinVar aggregate classification (germline): Uncertain significance (1 of 4 stars; one submission).

Conditions:
Inborn genetic diseases. Identifiers: MedGen C0950123, MeSH D030342.

Submission:

Ambry Genetics
Classification: Uncertain significance for Inborn genetic diseases. Last evaluated: 2025-11-24. Review status: criteria provided, single submitter. Criteria: Ambry Variant Classification Scheme 2023. Collection method: clinical testing. Allele origin: germline.
Comment: The p.D77E variant (also known as c.231T>A), located in coding exon 2 of the HAX1 gene, results from a T to A substitution at nucleotide position 231. The aspartic acid at codon 77 is replaced by glutamic acid, an amino acid with highly similar properties. This amino acid position is conserved. In addition, this alteration is predicted to be tolerated by in silico analysis. Based on the available evidence, the clinical significance of this variant remains unclear.

NM_006118.4(HAX1):c.231T>A (p.Asp77Glu)

Gene: HAX1 (HCLS1 associated protein X-1; plus strand). Cytogenetic location: 1q21.3.
Variant type: single nucleotide variant.
Coding change: c.231T>A on transcript NM_006118.4 (MANE Select); coding-DNA position 231, T replaced by A.
Protein change: p.Asp77Glu; replaces aspartic acid 77 with glutamic acid.
Molecular consequence: missense variant.
Genome position (GRCh38, 1-based): chr1:154,273,513, T>A. VCF-style: chr1-154273513-T-A. GRCh37 (hg19) VCF-style: chr1-154245989-T-A.
Other names: c.87T>A, p.Asp29Glu (NM_001018837.2); short protein forms D29E, D77E.
Identifiers: ClinVar variation 4621342 (VCV004621342.1).